The following is an entry in ClinVar:

ClinVar aggregate classification (germline): Likely benign. Review status: criteria provided, multiple submitters, no conflicts (2 of 4 stars). 2 submissions from 2 submitters: Likely benign (2). Last evaluated 2025-12-14.

Conditions:
Wilson disease (WND). Also called: Wilson's disease. Identifiers: Orphanet 905, MedGen C0019202, MONDO:0010200, OMIM 277900. Disease mechanism: loss of function.

Allele frequency attached by ClinVar (database versions not stated): ExAC 0.00001; TOPMed 0.00002.
gnomAD v4.1: 11 of 1,614,084 alleles (0.00068%); highest among the groups gnomAD compares: Admixed American, 0.0017%; no homozygotes.

Submissions (2):

Labcorp Genetics (formerly Invitae), Labcorp
Classification: Likely benign for Wilson disease. Last evaluated: 2025-12-14. Review status: criteria provided, single submitter. Criteria: Invitae Variant Classification Sherloc (09022015). Collection method: clinical testing. Allele origin: germline.

All of Us Research Program, National Institutes of Health
Classification: Likely benign for Wilson disease. Last evaluated: 2024-07-29. Review status: criteria provided, single submitter. Criteria: ACMG Guidelines, 2015. Collection method: clinical testing. Allele origin: germline. Inheritance: Autosomal recessive inheritance. Observed: 4 variant alleles, 4 heterozygotes.
Comment: This study involves interpretation of variants in research participants for the purpose of population health screening. Participant phenotype was not available at the time of variant classification. Additional details can be found in publication PMID: 35346344, PMCID: PMC8962531

NM_000053.4(ATP7B):c.2811G>A (p.Val937=)

Gene: ATP7B (ATPase copper transporting beta; minus strand). Cytogenetic location: 13q14.3.
Variant type: single nucleotide variant.
Coding change: c.2811G>A on transcript NM_000053.4 (MANE Select); coding-DNA position 2811, G replaced by A.
Protein change: p.Val937=; no amino-acid change (valine 937 retained).
Molecular consequence: synonymous variant. On other transcripts: intron variant (3).
Genome position (GRCh38, 1-based): chr13:51,949,716, C>T on the plus strand (G>A on the coding strand, the complement: ATP7B is on the minus strand). VCF-style: chr13-51949716-C-T. GRCh37 (hg19) VCF-style: chr13-52523852-C-T.
Other names: c.2478G>A, p.Val826= (NM_001243182.2); c.2577G>A, p.Val859= (NM_001330578.2, NM_001406527.1, NM_001406528.1 and 2 more transcripts); c.2559G>A, p.Val853= (NM_001330579.2, NM_001406531.1, NM_001406532.1 and 1 more transcripts); c.2811G>A, p.Val937= (NM_001406511.1, NM_001406512.1, NM_001406513.1 and 5 more transcripts); c.2778G>A, p.Val926= (NM_001406514.1); c.2715G>A, p.Val905= (NM_001406517.1, NM_001406518.1); c.2667G>A, p.Val889= (NM_001406520.1, NM_001406521.1, NM_001406522.1 and 1 more transcripts); c.2634G>A, p.Val878= (NM_001406524.1); and 10 more.
Identifiers: ClinVar variation 2139378 (VCV002139378.6), dbSNP rs770532598, ClinGen allele CA6988904.